The following is an entry in ClinVar:

ClinVar aggregate classification (germline): Uncertain significance (1 of 4 stars; one submission).

gnomAD v4.1: 2 of 1,614,130 alleles (0.00012%); highest among the groups gnomAD compares: South Asian, 0.0011%; no homozygotes.

Submission:

Labcorp Genetics (formerly Invitae), Labcorp
Classification: Uncertain significance. Last evaluated: 2025-07-02. Review status: criteria provided, single submitter. Criteria: Invitae Variant Classification Sherloc (09022015). Collection method: clinical testing. Allele origin: germline.
Comment: This sequence change replaces glutamic acid, which is acidic and polar, with glycine, which is neutral and non-polar, at codon 589 of the MSH3 protein (p.Glu589Gly). This variant is not present in population databases (gnomAD no frequency). This variant has not been reported in the literature in individuals affected with MSH3-related conditions. An algorithm developed to predict the effect of missense changes on protein structure and function (PolyPhen-2) suggests that this variant is likely to be tolerated. In summary, the available evidence is currently insufficient to determine the role of this variant in disease. Therefore, it has been classified as a Variant of Uncertain Significance.

NM_002439.5(MSH3):c.1766A>G (p.Glu589Gly)

Gene: MSH3 (mutS homolog 3; plus strand). Cytogenetic location: 5q14.1.
Variant type: single nucleotide variant.
Coding change: c.1766A>G on transcript NM_002439.5 (MANE Select); coding-DNA position 1766, A replaced by G.
Protein change: p.Glu589Gly; replaces glutamic acid 589 with glycine.
Molecular consequence: missense variant.
Genome position (GRCh38, 1-based): chr5:80,761,548, A>G. VCF-style: chr5-80761548-A-G. GRCh37 (hg19) VCF-style: chr5-80057367-A-G.
Other names: short protein forms E589G.
Identifiers: ClinVar variation 4706460 (VCV004706460.1).
Genomic context (GRCh38, chr5:80,761,548, plus strand): 5'-ATGTCTATATTCTGAATTCCTAACATATCTGATTATTGCTATTACTCTTTTCTCACAGGG[A>G]AATAAATGCCCGGCTTGATGCTGTATCGGAAGTTCTCCATTCAGAATCTAGTGTGTTTGG-3'
Protein context (NP_002430.3, residues 579-599): WVTQPLLKLR[Glu589Gly]INARLDAVSE